The following is an entry in ClinVar:

ClinVar aggregate classification (germline): Uncertain significance (1 of 4 stars; one submission).

Conditions:
Neuronal ceroid lipofuscinosis. Also called: Neuronal Ceroid Lipofuscinoses. Identifiers: Orphanet 216, Orphanet 79263, MedGen C0027877, MONDO:0016295. Disease mechanism: loss of function.

Submission:

Labcorp Genetics (formerly Invitae), Labcorp
Classification: Uncertain significance for Neuronal ceroid lipofuscinosis. Last evaluated: 2022-01-18. Review status: criteria provided, single submitter. Criteria: Invitae Variant Classification Sherloc (09022015). Collection method: clinical testing. Allele origin: germline.
Comment: In summary, the available evidence is currently insufficient to determine the role of this variant in disease. Therefore, it has been classified as a Variant of Uncertain Significance. Algorithms developed to predict the effect of missense changes on protein structure and function are either unavailable or do not agree on the potential impact of this missense change (SIFT: "Deleterious"; PolyPhen-2: "Probably Damaging"; Align-GVGD: "Class C0"). This sequence change replaces glycine, which is neutral and non-polar, with alanine, which is neutral and non-polar, at codon 292 of the CLN6 protein (p.Gly292Ala). This variant is present in population databases (no rsID available, gnomAD 0.01%). This variant has not been reported in the literature in individuals affected with CLN6-related conditions.

NM_017882.3(CLN6):c.875G>C (p.Gly292Ala)

Gene: CLN6 (CLN6 transmembrane ER protein; minus strand). Cytogenetic location: 15q23.
Variant type: single nucleotide variant.
Coding change: c.875G>C on transcript NM_017882.3 (MANE Select); coding-DNA position 875, G replaced by C.
Protein change: p.Gly292Ala; replaces glycine 292 with alanine.
Molecular consequence: missense variant.
Genome position (GRCh38, 1-based): chr15:68,208,201, C>G on the plus strand (G>C on the coding strand, the complement: CLN6 is on the minus strand). VCF-style: chr15-68208201-C-G. GRCh37 (hg19) VCF-style: chr15-68500539-C-G.
Other names: c.971G>C, p.Gly324Ala (NM_001411068.1); short protein forms G292A, G324A.
Identifiers: ClinVar variation 2087618 (VCV002087618.4), dbSNP rs1399309224, ClinGen allele CA392971672.
Genomic context (GRCh38, chr15:68,208,201, plus strand): 5'-CAGTGCCGACTGCTGACGTGAAGGGTGTAGAAAGCCCAGGGCTCAGGGACGTAGATGACA[C>G]CCGGGTACTTCTTCCTGAGAACAGGGTCATTCCACAGCCAGGCGACCCAGAGCGCCACAA-3'
Protein context (NP_060352.1, residues 282-302): NDPVLRKKYP[Gly292Ala]VIYVPEPWAF